The following is an entry in ClinVar:

NM_001148.6(ANK2):c.10889-8T>A

Gene: ANK2 (ankyrin 2; plus strand). Cytogenetic location: 4q26.
Variant type: single nucleotide variant.
Coding change: c.10889-8T>A on transcript NM_001148.6 (MANE Select); 8 bases into the intron before coding-DNA position 10889, T replaced by A.
Molecular consequence: intron variant.
Genome position (GRCh38, 1-based): chr4:113,365,031, T>A. VCF-style: chr4-113365031-T-A. GRCh37 (hg19) VCF-style: chr4-114286187-T-A.
Other names: c.4619-8T>A (NM_001386186.2, NM_001386148.2); c.4421-8T>A (NM_001354269.3); c.4499-8T>A (NM_001386187.2); c.4460-8T>A (NM_001386147.1); c.4478-8T>A (NM_001386160.1); c.4583-8T>A (NM_001354254.2); c.4604-8T>A (NM_001354239.2, NM_001354252.2); c.4505-8T>A (NM_001354272.2); and 35 more.
Identifiers: ClinVar variation 190531 (VCV000190531.5), dbSNP rs770001257, ClinGen allele CA300728.

ClinVar aggregate classification (germline): Conflicting classifications of pathogenicity. Review status: criteria provided, conflicting classifications (1 of 4 stars). 2 submissions from 2 submitters: Uncertain significance (1); Likely benign (1). Last evaluated 2017-03-08.

Conditions:
Long QT syndrome (LQTS). Identifiers: MedGen C0023976, MeSH D008133, MONDO:0002442. Disease mechanism: loss of function. Inheritance: Various modes of inheritance.

Allele frequency attached by ClinVar (database versions not stated): TOPMed 0.00001.
gnomAD v4.1: 29 of 1,613,584 alleles (0.0018%); highest among the groups gnomAD compares: Non-Finnish European, 0.0025%; no homozygotes.

Submissions (2):

Labcorp Genetics (formerly Invitae), Labcorp
Classification: Uncertain significance for Long QT syndrome. Last evaluated: 2017-03-08. Review status: criteria provided, single submitter. Criteria: Invitae Variant Classification Sherloc (09022015). Collection method: clinical testing. Allele origin: germline.
Comment: In summary, this is a novel intronic change with uncertain impact on splicing. It has been classified as a Variant of Uncertain Significance. Algorithms developed to predict the effect of nucleotide changes on RNA splicing suggest that this intronic variant may alter RNA splicing, but this prediction has not been confirmed by published transcriptional studies. This variant is not present in population databases (ExAC no frequency) and has not been reported in the literature in individuals with an ANK2-related disease. ClinVar contains an entry for this variant (Variation ID: 190531). This sequence change falls in intron 40 of the ANK2 gene. It does not directly change the encoded amino acid sequence of the ANK2 protein.

GeneDx
Classification: Likely benign. Last evaluated: 2013-04-25. Review status: criteria provided, single submitter. Criteria: GeneDx Variant Classification (06012015). Collection method: clinical testing. Allele origin: germline. Affected: yes.
Comment: This variant is considered likely benign or benign based on one or more of the following criteria: it is a conservative change, it occurs at a poorly conserved position in the protein, it is predicted to be benign by multiple in silico algorithms, and/or has population frequency not consistent with disease.